The following is an entry in ClinVar:

NM_004991.4(MECOM):c.3019G>A (p.Gly1007Ser)

Gene: MECOM (MDS1 and EVI1 complex locus; minus strand). Cytogenetic location: 3q26.2.
Variant type: single nucleotide variant.
Coding change: c.3019G>A on transcript NM_004991.4 (MANE Select); coding-DNA position 3019, G replaced by A.
Protein change: p.Gly1007Ser; replaces glycine 1007 with serine.
Molecular consequence: missense variant.
Genome position (GRCh38, 1-based): chr3:169,095,076, C>T on the plus strand (G>A on the coding strand, the complement: MECOM is on the minus strand). VCF-style: chr3-169095076-C-T. GRCh37 (hg19) VCF-style: chr3-168812864-C-T.
Other names: c.2455G>A, p.Gly819Ser (NM_001366469.2, NM_005241.4, NM_001105078.4 and 1 more transcripts); c.2431G>A, p.Gly811Ser (NM_001366470.2, NM_001163999.2); c.2428G>A, p.Gly810Ser (NM_001366471.2, NM_001366472.2, NM_001164000.2); c.2020G>A, p.Gly674Ser (NM_001366473.2); c.1456G>A, p.Gly486Ser (NM_001366474.2); c.2650G>A, p.Gly884Ser (NM_001105077.4); c.2992G>A, p.Gly998Ser (NM_001366466.2); c.2458G>A, p.Gly820Ser (NM_001366467.2, NM_001366468.2); and 1 more; short protein forms G1007S, G486S, G674S, G810S, G811S, G819S, G820S, G884S.
Identifiers: ClinVar variation 929746 (VCV000929746.4), dbSNP rs767306816, ClinGen allele CA2696015.

ClinVar aggregate classification (germline): Conflicting classifications of pathogenicity. Review status: criteria provided, conflicting classifications (1 of 4 stars). 3 submissions from 3 submitters: Likely pathogenic (1); Uncertain significance (2). Last evaluated 2025-12-18.

Conditions:
Premature ovarian insufficiency (POF). Also called: Premature ovarian failure. Identifiers: MedGen C4303540, HP:0008209.
MECOM-related disorder. Also called: MECOM-related condition.

Allele frequency attached by ClinVar (database versions not stated): gnomAD 0.00001; ExAC 0.00005; gnomAD exomes 0.00002 and 0.00003.
gnomAD v4.1: 23 of 1,592,378 alleles (0.0014%); highest among the groups gnomAD compares: Non-Finnish European, 0.0018%; no homozygotes.

Submissions (3):

Labcorp Genetics (formerly Invitae), Labcorp
Classification: Uncertain significance. Last evaluated: 2025-12-18. Review status: criteria provided, single submitter. Criteria: Invitae Variant Classification Sherloc (09022015). Collection method: clinical testing. Allele origin: germline.
Comment: This sequence change replaces glycine, which is neutral and non-polar, with serine, which is neutral and polar, at codon 819 of the MECOM protein (p.Gly819Ser). This variant also falls at the last nucleotide of exon 12, which is part of the consensus splice site for this exon. This variant is present in population databases (rs767306816, gnomAD 0.007%). This variant has not been reported in the literature in individuals affected with MECOM-related conditions. ClinVar contains an entry for this variant (Variation ID: 929746). An algorithm developed to predict the effect of missense changes on protein structure and function (PolyPhen-2) suggests that this variant is likely to be tolerated. Variants that disrupt the consensus splice site are a relatively common cause of aberrant splicing (PMID: 17576681, 9536098). In summary, the available evidence is currently insufficient to determine the role of this variant in disease. Therefore, it has been classified as a Variant of Uncertain Significance.

PreventionGenetics, part of Exact Sciences
Classification: Uncertain significance for MECOM-related condition. Last evaluated: 2025-03-11. Review status: criteria provided, single submitter. Criteria: ACMG Guidelines, 2015. Collection method: clinical testing. Allele origin: germline.
Comment: The MECOM c.3019G>A variant is predicted to result in the amino acid substitution p.Gly1007Ser. This variant has been reported in an individual with primary ovarian insufficiency (Reported as c.2431G>A (p.Gly811Ser) via NM_001163999.1, Table S3, Bestetti et al. 2021. PubMed ID: 34480478). This variant is reported in 0.0072% of alleles in individuals of European (Non-Finnish) descent in gnomAD. At this time, the clinical significance of this variant is uncertain due to the absence of conclusive functional and genetic evidence.

Medical Cytogenetics and Molecular Genetics Laboratory, IRCCS Istituto Auxologico Italiano
Classification: Likely pathogenic for Premature ovarian failure. Last evaluated: 2020-03-02. Review status: criteria provided, single submitter. Criteria: ACMG Guidelines, 2015. Collection method: research. Allele origin: germline. Affected: yes. Observed: 1 variant allele.

Literature cited by the submitters: PubMed 17576681 (cited by Labcorp Genetics (formerly Invitae), Labcorp); PubMed 9536098 (cited by Labcorp Genetics (formerly Invitae), Labcorp).